The following is an entry in ClinVar:

NM_022166.4(XYLT1):c.764C>T (p.Pro255Leu)

Genes: XYLT1 (xylosyltransferase 1; minus strand), LOC130058565 (ATAC-STARR-seq lymphoblastoid active region 10504; plus strand). Cytogenetic location: 16p12.3.
Variant type: single nucleotide variant.
Coding change: c.764C>T on transcript NM_022166.4 (MANE Select); coding-DNA position 764, C replaced by T.
Protein change: p.Pro255Leu; replaces proline 255 with leucine.
Molecular consequence: missense variant.
Genome position (GRCh38, 1-based): chr16:17,259,137, G>A on the plus strand (C>T on the coding strand, the complement: XYLT1 is on the minus strand). VCF-style: chr16-17259137-G-A. GRCh37 (hg19) VCF-style: chr16-17352994-G-A.
Other names: short protein forms P255L.
Identifiers: ClinVar variation 1418095 (VCV001418095.6), dbSNP rs771239606, ClinGen allele CA7928114.

ClinVar aggregate classification (germline): Uncertain significance (1 of 4 stars; one submission).

Conditions:
Desbuquois dysplasia 1 (DBQD1). Also called: DESBUQUOIS DYSPLASIA 1, KIM VARIANT; MICROMELIC DWARFISM WITH VERTEBRAL AND METAPHYSEAL ABNORMALITIES AND ADVANCED CARPOTARSAL OSSIFICATION. Identifiers: Orphanet 1425, MedGen C4012146, MONDO:0009629, OMIM 251450.

Allele frequency attached by ClinVar (database versions not stated): TOPMed below 0.00001; ExAC 0.00001.
gnomAD v4.1: 2 of 1,590,040 alleles (0.00013%); highest among the groups gnomAD compares: Admixed American, 0.0036%; no homozygotes.

Submission:

Labcorp Genetics (formerly Invitae), Labcorp
Classification: Uncertain significance for Desbuquois dysplasia 1. Last evaluated: 2021-10-07. Review status: criteria provided, single submitter. Criteria: Invitae Variant Classification Sherloc (09022015). Collection method: clinical testing. Allele origin: germline.
Comment: In summary, the available evidence is currently insufficient to determine the role of this variant in disease. Therefore, it has been classified as a Variant of Uncertain Significance. Algorithms developed to predict the effect of missense changes on protein structure and function output the following: SIFT: "Tolerated"; PolyPhen-2: "Benign"; Align-GVGD: "Class C0". The leucine amino acid residue is found in multiple mammalian species, which suggests that this missense change does not adversely affect protein function. This variant has not been reported in the literature in individuals affected with XYLT1-related conditions. This variant is present in population databases (rs771239606, ExAC 0.009%). This sequence change replaces proline with leucine at codon 255 of the XYLT1 protein (p.Pro255Leu). The proline residue is moderately conserved and there is a moderate physicochemical difference between proline and leucine.